The following is an entry in ClinVar:

NM_000400.4(ERCC2):c.2041_2046+9delinsATGAGCA

Gene: ERCC2 (ERCC excision repair 2, TFIIH core complex helicase subunit; minus strand). Cytogenetic location: 19q13.32.
Variant type: Indel.
Coding change: c.2041_2046+9delinsATGAGCA on transcript NM_000400.4 (MANE Select); coding-DNA position 2041 through 9 bases into the intron after coding-DNA position 2046, GACAAGGTGCAGCTT replaced by ATGAGCA.
Molecular consequence: splice donor variant.
Genome position (GRCh38, 1-based): chr19:45,352,497-45,352,511, AAGCTGCACCTTGTC replaced by TGCTCAT on the plus strand (GACAAGGTGCAGCTT replaced by ATGAGCA on the coding strand, the reverse complement: ERCC2 is on the minus strand). VCF-style: chr19-45352497-AAGCTGCACCTTGTC-TGCTCAT. GRCh37 (hg19) VCF-style: chr19-45855755-AAGCTGCACCTTGTC-TGCTCAT.
Identifiers: ClinVar variation 2088636 (VCV002088636.4), dbSNP rs2513999039, ClinGen allele CA2580097403.

ClinVar aggregate classification (germline): Pathogenic (1 of 4 stars; one submission).

Submission:

Labcorp Genetics (formerly Invitae), Labcorp
Classification: Pathogenic. Last evaluated: 2022-08-23. Review status: criteria provided, single submitter. Criteria: Invitae Variant Classification Sherloc (09022015). Collection method: clinical testing. Allele origin: germline.
Comment: For these reasons, this variant has been classified as Pathogenic. This variant disrupts a region of the ERCC2 protein in which other variant(s) (p.Asp681Asn) have been determined to be pathogenic (PMID: 11443545, 18470933, 23232694). This suggests that this is a clinically significant region of the protein, and that variants that disrupt it are likely to be disease-causing. This variant has not been reported in the literature in individuals affected with ERCC2-related conditions. This variant is not present in population databases (gnomAD no frequency). This variant results in the deletion of part of exon 21 (c.2041_2046+9delinsATGAGCA) of the ERCC2 gene. It is expected to disrupt RNA splicing. Variants that disrupt the donor or acceptor splice site typically lead to a loss of protein function (PMID: 16199547), and loss-of-function variants in ERCC2 are known to be pathogenic (PMID: 9238033, 11335038, 19085937, 19934020).

Literature cited by the submitters: PubMed 11443545; PubMed 18470933; PubMed 23232694; PubMed 16199547; PubMed 9238033; PubMed 11335038; PubMed 19085937; PubMed 19934020.